The following is an entry in ClinVar:

ClinVar aggregate classification (germline): Uncertain significance. Review status: criteria provided, multiple submitters, no conflicts (2 of 4 stars). 2 submissions from 2 submitters: Uncertain significance (2). Last evaluated 2024-02-23.

Conditions:
Myoclonic dystonia 11 (DYT11). Also called: SGCE Myoclonus-Dystonia; Myoclonus-Dystonia; DYT-SGCE; Myoclonic dystonia; Dystonia 11; Dystonia, alcohol responsive. Identifiers: Orphanet 36899, MedGen C1834570, MONDO:0008044, OMIM 159900.

Allele frequency attached by ClinVar (database versions not stated): gnomAD 0.00001; TOPMed 0.00001; ExAC 0.00002; gnomAD exomes 0.00003 and 0.00005.
gnomAD v4.1: 75 of 1,612,412 alleles (0.0047%); highest among the groups gnomAD compares: Non-Finnish European, 0.0059%; no homozygotes.

Submissions (2):

Labcorp Genetics (formerly Invitae), Labcorp
Classification: Uncertain significance for Myoclonic dystonia 11. Last evaluated: 2024-02-23. Review status: criteria provided, single submitter. Criteria: Invitae Variant Classification Sherloc (09022015). Collection method: clinical testing. Allele origin: germline.
Comment: This sequence change replaces tyrosine, which is neutral and polar, with asparagine, which is neutral and polar, at codon 267 of the SGCE protein (p.Tyr267Asn). This variant is present in population databases (rs781326840, gnomAD 0.005%). This variant has not been reported in the literature in individuals affected with SGCE-related conditions. ClinVar contains an entry for this variant (Variation ID: 661242). Advanced modeling of protein sequence and biophysical properties (such as structural, functional, and spatial information, amino acid conservation, physicochemical variation, residue mobility, and thermodynamic stability) performed at Invitae indicates that this missense variant is not expected to disrupt SGCE protein function with a negative predictive value of 80%. In summary, the available evidence is currently insufficient to determine the role of this variant in disease. Therefore, it has been classified as a Variant of Uncertain Significance.

Revvity Omics, Revvity
Classification: Uncertain significance for Myoclonic dystonia 11. Last evaluated: 2021-02-05. Review status: criteria provided, single submitter. Criteria: ACMG Guidelines, 2015. Collection method: clinical testing. Allele origin: germline.

NM_003919.3(SGCE):c.799T>A (p.Tyr267Asn)

Genes: CASD1 (CAS1 domain sialic acid O acetyltransferase 1; plus strand), SGCE (sarcoglycan epsilon; minus strand). Cytogenetic location: 7q21.3.
Variant type: single nucleotide variant.
Coding change: c.799T>A on transcript NM_003919.3 (MANE Select); coding-DNA position 799, T replaced by A.
Protein change: p.Tyr267Asn; replaces tyrosine 267 with asparagine.
Molecular consequence: missense variant.
Genome position (GRCh38, 1-based): chr7:94,603,316, A>T on the plus strand (T>A on the coding strand, the complement: SGCE is on the minus strand). VCF-style: chr7-94603316-A-T. GRCh37 (hg19) VCF-style: chr7-94232628-A-T.
Other names: c.799T>A, p.Tyr267Asn (NM_001099400.2, NM_001099401.2, NM_001346717.2); c.676T>A, p.Tyr226Asn (NM_001301139.2, NM_001362809.2); c.907T>A, p.Tyr303Asn (NM_001346713.2, NM_001346715.2); c.712T>A, p.Tyr238Asn (NM_001346719.2, NM_001362807.2); c.526T>A, p.Tyr176Asn (NM_001346720.2, NM_001362808.2); short protein forms Y176N, Y267N, Y226N, Y303N, Y238N.
Identifiers: ClinVar variation 661242 (VCV000661242.11), dbSNP rs781326840, ClinGen allele CA4348723.
Genomic context (GRCh38, chr7:94,603,316, plus strand): 5'-TAACTAAACTTGCAAAAACAAAATAAAAACTTACCAATGAAATTTTGCACCAGTCAATGT[A>T]AAATTGAGTACGAAATTTTTTATCACATGTTATTACAGGCTCCATTTCTTGACTACATCT-3'
Protein context (NP_003910.1, residues 257-277): TCDKKFRTQF[Tyr267Asn]IDWCKISLVD